The following is an entry in ClinVar:

ClinVar aggregate classification (germline): Likely pathogenic (1 of 4 stars; one submission).

Conditions:
Hereditary cancer-predisposing syndrome. Also called: Tumor predisposition; Hereditary Cancer Syndrome; Hereditary neoplastic syndrome; Neoplastic Syndromes, Hereditary. Identifiers: Orphanet 140162, MedGen C0027672, MeSH D009386, MONDO:0015356.

Submission:

Labcorp Genetics (formerly Invitae), Labcorp
Classification: Likely pathogenic for Hereditary cancer-predisposing syndrome. Last evaluated: 2026-01-11. Review status: criteria provided, single submitter. Criteria: Invitae Variant Classification Sherloc (09022015). Collection method: clinical testing. Allele origin: germline.
Comment: This sequence change creates a premature translational stop signal (p.Gln1263*) in the RAD50 gene. While this is not anticipated to result in nonsense mediated decay, it is expected to disrupt the last 50 amino acid(s) of the RAD50 protein. Information on the frequency of this variant in the gnomAD database is not available, as this variant may be reported differently in the database. This variant has not been reported in the literature in individuals affected with RAD50-related conditions. ClinVar contains an entry for this variant (Variation ID: 1481385). This variant disrupts the ATPase-C domain, which is important for RAD50 ATPase activity (PMID: 10892749, 24894818). While functional studies have not been performed to directly test the effect of this variant on RAD50 protein function, this suggests that disruption of this region of the protein is causative of disease. In summary, the currently available evidence indicates that the variant is pathogenic, but additional data are needed to prove that conclusively. Therefore, this variant has been classified as Likely Pathogenic.

Literature cited by the submitters: PubMed 10892749; PubMed 24894818.

NM_005732.4(RAD50):c.3786_3787delinsTT (p.Gln1263Ter)

Genes: TH2LCRR (T helper type 2 locus control region associated RNA; minus strand), RAD50 (RAD50 double strand break repair protein; plus strand). Cytogenetic location: 5q31.1.
Variant type: Indel.
Coding change: c.3786_3787delinsTT on transcript NM_005732.4 (MANE Select); coding-DNA positions 3786 to 3787, CC replaced by TT.
Protein change: p.Gln1263Ter; replaces glutamine 1263 with a stop codon.
Molecular consequence: nonsense. On other transcripts: non-coding transcript variant (1).
Genome position (GRCh38, 1-based): chr5:132,642,211-132,642,212, CC replaced by TT. VCF-style: chr5-132642211-CC-TT. GRCh37 (hg19) VCF-style: chr5-131977903-CC-TT.
Other names: short protein forms Q1263*.
Identifiers: ClinVar variation 1481385 (VCV001481385.6), dbSNP rs2149866877, ClinGen allele CA2573139103.